The following is an entry in ClinVar:

ClinVar aggregate classification (germline): Likely pathogenic (0 of 4 stars; one submission).

Conditions:
Intellectual developmental disorder with speech delay and axonal peripheral neuropathy. Identifiers: MedGen C5436813, MONDO:0030849, OMIM 619099.

gnomAD v4.1: 33 of 1,613,872 alleles (0.002%); highest among the groups gnomAD compares: South Asian, 0.0011%; no homozygotes.

Submission:

Department of Rehabilitation, Anhui Provincial Children's Hospital
Classification: Likely pathogenic for Intellectual developmental disorder with speech delay and axonal peripheral neuropathy. Last evaluated: 2023-12-18. Review status: no assertion criteria provided. Collection method: clinical testing. Allele origin: maternal. Affected: yes.
Comment: This variant is a de novo mutation confirmed through familial analysis. Missense variants in this gene are a common pathogenic mechanism for the associated disease phenotype, with a low frequency of benign missense variants.

NM_004713.6(NEMF):c.979C>T (p.Arg327Ter)

Gene: NEMF (nuclear export mediator factor; minus strand). Cytogenetic location: 14q21.3.
Variant type: single nucleotide variant.
Coding change: c.979C>T on transcript NM_004713.6 (MANE Select); coding-DNA position 979, C replaced by T.
Protein change: p.Arg327Ter; replaces arginine 327 with a stop codon.
Molecular consequence: nonsense.
Genome position (GRCh38, 1-based): chr14:49,829,393, G>A on the plus strand (C>T on the coding strand, the complement: NEMF is on the minus strand). VCF-style: chr14-49829393-G-A. GRCh37 (hg19) VCF-style: chr14-50296111-G-A.
Other names: c.979C>T, p.Arg327Ter (NM_001301732.3); short protein forms R327*.
Identifiers: ClinVar variation 3900673 (VCV003900673.1).